The following is an entry in ClinVar:

NM_020680.4(SCYL1):c.513G>T (p.Gly171=)

Gene: SCYL1 (SCY1 like pseudokinase 1; plus strand). Cytogenetic location: 11q13.1.
Variant type: single nucleotide variant.
Coding change: c.513G>T on transcript NM_020680.4 (MANE Select); coding-DNA position 513, G replaced by T.
Protein change: p.Gly171=; no amino-acid change (glycine 171 retained).
Molecular consequence: synonymous variant.
Genome position (GRCh38, 1-based): chr11:65,526,261, G>T. VCF-style: chr11-65526261-G-T. GRCh37 (hg19) VCF-style: chr11-65293732-G-T.
Other names: c.513G>T, p.Gly171= (NM_001048218.2); c.513G>T (NM_020680.3).
Identifiers: ClinVar variation 806693 (VCV000806693.43), dbSNP rs868783577, ClinGen allele CA223997368.

ClinVar aggregate classification (germline): Likely benign. Review status: criteria provided, single submitter (1 of 4 stars). 2 submissions from 2 submitters: Likely benign (1). 1 of the submissions does not count toward it. Last evaluated 2024-01-01.

Conditions:
SCYL1-related disorder. Also called: SCYL1-related condition.

Allele frequency attached by ClinVar (database versions not stated): TOPMed below 0.00001; gnomAD exomes 0.00001.
gnomAD v4.1: 20 of 1,613,160 alleles (0.0012%); highest among the groups gnomAD compares: Middle Eastern, 0.25%; 1 homozygote.

Submissions (2):

CeGaT Center for Human Genetics Tuebingen
Classification: Likely benign. Last evaluated: 2024-01-01. Review status: criteria provided, single submitter. Criteria: CeGaT Center For Human Genetics Tuebingen Variant Classification Criteria Version 2. Collection method: clinical testing. Allele origin: germline. Affected: yes. Observed: 2 variant alleles.
Comment: SCYL1: PM2:Supporting, BP4, BP7

PreventionGenetics, part of Exact Sciences
Classification: Likely benign for SCYL1-related condition. Last evaluated: 2019-02-21. Review status: no assertion criteria provided. Collection method: clinical testing. Allele origin: germline. Not counted in ClinVar's aggregate classification.
Comment: This variant is classified as likely benign based on ACMG/AMP sequence variant interpretation guidelines (Richards et al. 2015 PMID: 25741868, with internal and published modifications).